The following is an entry in ClinVar:

ClinVar aggregate classification (germline): Benign/Likely benign. Review status: criteria provided, multiple submitters, no conflicts (2 of 4 stars). 8 submissions from 8 submitters: Benign (1); Likely benign (5). 2 of the submissions do not count toward it. Last evaluated 2026-02-03.

Conditions:
MTO1-related disorder. Also called: MTO1-related condition.
Mitochondrial hypertrophic cardiomyopathy with lactic acidosis due to MTO1 deficiency. Also called: CARDIOMYOPATHY, INFANTILE HYPERTROPHIC MITOCHONDRIAL, AND LACTIC ACIDOSIS; Combined oxidative phosphorylation deficiency 10. Identifiers: Orphanet 314637, MedGen C4749921, MONDO:0013865, OMIM 614702.

Allele frequency attached by ClinVar (database versions not stated): 1000 Genomes Project 30x 0.00031; 1000 Genomes Project 0.00040; TOPMed 0.00168; ExAC 0.00183; gnomAD exomes 0.00183 and 0.00294; gnomAD 0.00190 and 0.00200; ESP Exome Variant Server 0.00261.
gnomAD v4.1: 4,525 of 1,613,106 alleles (0.28%); highest among the groups gnomAD compares: Non-Finnish European, 0.36%; 8 homozygotes.

Submissions (8):

Labcorp Genetics (formerly Invitae), Labcorp
Classification: Likely benign for Mitochondrial hypertrophic cardiomyopathy with lactic acidosis due to MTO1 deficiency. Last evaluated: 2026-02-03. Review status: criteria provided, single submitter. Criteria: Invitae Variant Classification Sherloc (09022015). Collection method: clinical testing. Allele origin: germline.

CeGaT Center for Human Genetics Tuebingen
Classification: Likely benign. Last evaluated: 2026-02-01. Review status: criteria provided, single submitter. Criteria: CeGaT Center For Human Genetics Tuebingen Variant Classification Criteria Version 2. Collection method: clinical testing. Allele origin: germline. Affected: yes. Observed: 3 variant alleles.
Comment: MTO1: BS2

Blueprint Genetics
Classification: Likely benign. Last evaluated: 2024-11-26. Review status: criteria provided, single submitter. Criteria: ACMG Guidelines, 2015. Collection method: clinical testing. Allele origin: germline.

Department of Pathology and Laboratory Medicine, Sinai Health System
Classification: Likely benign for Mitochondrial hypertrophic cardiomyopathy with lactic acidosis due to MTO1 deficiency. Last evaluated: 2022-12-05. Review status: criteria provided, single submitter. Criteria: ACMG Guidelines, 2015. Collection method: research. Allele origin: germline.

Centre for Mendelian Genomics, University Medical Centre Ljubljana
Classification: Likely benign for Mitochondrial hypertrophic cardiomyopathy with lactic acidosis due to MTO1 deficiency. Last evaluated: 2019-01-01. Review status: criteria provided, single submitter. Criteria: ACMG Guidelines, 2015. Collection method: clinical testing. Allele origin: unknown. Affected: yes.
Comment: This variant was classified as: Likely benign. The following ACMG criteria were applied in classifying this variant: PP3,BS2,BS6.

GeneDx
Classification: Benign. Last evaluated: 2015-03-03. Review status: criteria provided, single submitter. Criteria: GeneDx Variant Classification Process June 2021. Collection method: clinical testing. Allele origin: germline. Affected: yes.
Comment: This variant is associated with the following publications: (PMID: 22494076)

PreventionGenetics, part of Exact Sciences
Classification: Likely benign for MTO1-related condition. Last evaluated: 2021-04-09. Review status: no assertion criteria provided. Collection method: clinical testing. Allele origin: germline. Not counted in ClinVar's aggregate classification.
Comment: This variant is classified as likely benign based on ACMG/AMP sequence variant interpretation guidelines (Richards et al. 2015 PMID: 25741868, with internal and published modifications).

Mayo Clinic Laboratories, Mayo Clinic
Classification: Uncertain significance. Last evaluated: 2016-03-14. Review status: no assertion criteria provided. Collection method: clinical testing. Allele origin: unknown. Not counted in ClinVar's aggregate classification.

NM_012123.4(MTO1):c.922A>G (p.Thr308Ala)

Gene: MTO1 (mitochondrial tRNA translation optimization 1; plus strand). Cytogenetic location: 6q13.
Variant type: single nucleotide variant.
Coding change: c.922A>G on transcript NM_012123.4 (MANE Select); coding-DNA position 922, A replaced by G.
Protein change: p.Thr308Ala; replaces threonine 308 with alanine.
Molecular consequence: missense variant.
Genome position (GRCh38, 1-based): chr6:73,479,828, A>G. VCF-style: chr6-73479828-A-G. GRCh37 (hg19) VCF-style: chr6-74189551-A-G.
Other names: c.922A>G, p.Thr308Ala (NM_001123226.2, NM_133645.3); short protein forms T308A.
Identifiers: ClinVar variation 240850 (VCV000240850.47), dbSNP rs145043138, ClinGen allele CA3889472.